The following is an entry in ClinVar:

NM_006005.3(WFS1):c.1264G>A (p.Ala422Thr)

Gene: WFS1 (wolframin ER transmembrane glycoprotein; plus strand). Cytogenetic location: 4p16.1.
Variant type: single nucleotide variant.
Coding change: c.1264G>A on transcript NM_006005.3 (MANE Select); coding-DNA position 1264, G replaced by A.
Protein change: p.Ala422Thr; replaces alanine 422 with threonine.
Molecular consequence: missense variant.
Genome position (GRCh38, 1-based): chr4:6,301,059, G>A. VCF-style: chr4-6301059-G-A. GRCh37 (hg19) VCF-style: chr4-6302786-G-A.
Other names: c.1264G>A, p.Ala422Thr (NM_001145853.1); short protein forms A422T.
Identifiers: ClinVar variation 1193594 (VCV001193594.16), dbSNP rs773280611, ClinGen allele CA2839289.
Genomic context (GRCh38, chr4:6,301,059, plus strand): 5'-CTGGAGCCCTATGCCCATTTCCTGCTCTCTGTCTTCTTCGTCATCTTCTCCTTCCCCATC[G>A]CCAGCAAGGACTGCATCCCCTGCTCGGAGCTGGCTGTCATCACCGGCTTCTTTACCGTGA-3'
Protein context (NP_005996.2, residues 412-432): VFFVIFSFPI[Ala422Thr]SKDCIPCSEL

ClinVar aggregate classification (germline): Uncertain significance. Review status: criteria provided, multiple submitters, no conflicts (2 of 4 stars). 7 submissions from 7 submitters: Uncertain significance (7). Last evaluated 2026-09-24.

Conditions:
WFS1-related disorder. Identifiers: MedGen CN379391, MONDO:0700293.
Inborn genetic diseases. Identifiers: MedGen C0950123, MeSH D030342.
Cataract 41 (CTRCT41). Also called: CATARACT 41, CONGENITAL NUCLEAR TYPE. Identifiers: Orphanet 91492, Orphanet 98991, Orphanet 98992, Orphanet 98995, MedGen C3805412, MONDO:0007287, OMIM 116400.
Wolfram syndrome 1 (WFS1). Identifiers: Orphanet 3463, MedGen C4551693, MONDO:0009101, OMIM 222300.
Wolfram-like syndrome. Also called: HEARING LOSS, PROGRESSIVE, WITH OPTIC ATROPHY AND/OR IMPAIRED GLUCOSE REGULATION. Identifiers: Orphanet 411590, MedGen C3280358, MONDO:0013673, OMIM 614296.
Autosomal dominant nonsyndromic hearing loss 6 (LFSNHL). Also called: Autosomal dominant nonsyndromic deafness 6; DEAFNESS, AUTOSOMAL DOMINANT 6; DEAFNESS, AUTOSOMAL DOMINANT 14; DEAFNESS, AUTOSOMAL DOMINANT 38. Identifiers: Orphanet 90635, MedGen C1833021, MONDO:0010963, OMIM 600965.
Type 2 diabetes mellitus. Also called: Type II diabetes mellitus. Identifiers: MedGen C0011860, MeSH D003924, MONDO:0005148, OMIM 125853, HP:0005978.

Allele frequency attached by ClinVar (database versions not stated): gnomAD 0.00004 and 0.00005; TOPMed 0.00004.
gnomAD v4.1: 28 of 1,614,034 alleles (0.0017%); highest among the groups gnomAD compares: Admixed American, 0.012%; no homozygotes.

Submissions (7):

PreventionGenetics, part of Exact Sciences
Classification: Uncertain significance for WFS1-related condition. Last evaluated: 2026-09-24. Review status: criteria provided, single submitter. Criteria: ACMG Guidelines, 2015. Collection method: clinical testing. Allele origin: germline.
Comment: The WFS1 c.1264G>A variant is predicted to result in the amino acid substitution p.Ala422Thr. To our knowledge, this variant has not been reported in the literature. This variant is reported in 0.011% of alleles in individuals of Latino descent in gnomAD. At this time, the clinical significance of this variant is uncertain due to the absence of conclusive functional and genetic evidence.

GeneDx
Classification: Uncertain significance. Last evaluated: 2026-07-28. Review status: criteria provided, single submitter. Criteria: GeneDx Variant Classification Process June 2021. Collection method: clinical testing. Allele origin: germline.
Comment: In silico analysis suggests that this missense variant does not alter protein structure/function; Has not been previously published as pathogenic or benign to our knowledge

CeGaT Center for Human Genetics Tuebingen
Classification: Uncertain significance. Last evaluated: 2026-04-01. Review status: criteria provided, single submitter. Criteria: CeGaT Center For Human Genetics Tuebingen Variant Classification Criteria Version 2. Collection method: clinical testing. Allele origin: germline. Affected: yes. Observed: 1 variant allele.

Labcorp Genetics (formerly Invitae), Labcorp
Classification: Uncertain significance. Last evaluated: 2026-01-01. Review status: criteria provided, single submitter. Criteria: Invitae Variant Classification Sherloc (09022015). Collection method: clinical testing. Allele origin: germline.
Comment: This sequence change replaces alanine, which is neutral and non-polar, with threonine, which is neutral and polar, at codon 422 of the WFS1 protein (p.Ala422Thr). This variant is present in population databases (rs773280611, gnomAD 0.01%). This variant has not been reported in the literature in individuals affected with WFS1-related conditions. ClinVar contains an entry for this variant (Variation ID: 1193594). Invitae Evidence Modeling of protein sequence and biophysical properties (such as structural, functional, and spatial information, amino acid conservation, physicochemical variation, residue mobility, and thermodynamic stability) indicates that this missense variant is not expected to disrupt WFS1 protein function with a negative predictive value of 95%. In summary, the available evidence is currently insufficient to determine the role of this variant in disease. Therefore, it has been classified as a Variant of Uncertain Significance.

Ambry Genetics
Classification: Uncertain significance for Inborn genetic diseases. Last evaluated: 2024-10-20. Review status: criteria provided, single submitter. Criteria: Ambry Variant Classification Scheme 2023. Collection method: clinical testing. Allele origin: germline.

Blueprint Genetics
Classification: Uncertain significance. Last evaluated: 2024-06-19. Review status: criteria provided, single submitter. Criteria: ACMG Guidelines, 2015. Collection method: clinical testing. Allele origin: germline.

Fulgent Genetics
Classification: Uncertain significance for Cataract 41; Type 2 diabetes mellitus; Wolfram syndrome 1; Autosomal dominant nonsyndromic hearing loss 6; Wolfram-like syndrome. Last evaluated: 2024-03-20. Review status: criteria provided, single submitter. Criteria: ACMG Guidelines, 2015. Collection method: clinical testing. Allele origin: germline.